The following is an entry in ClinVar:

ClinVar aggregate classification (germline): Uncertain significance. Review status: criteria provided, multiple submitters, no conflicts (2 of 4 stars). 2 submissions from 2 submitters: Uncertain significance (2). Last evaluated 2025-11-10.

Conditions:
Hereditary cancer-predisposing syndrome. Also called: Hereditary Cancer Syndrome; Tumor predisposition; Hereditary neoplastic syndrome; Neoplastic Syndromes, Hereditary. Identifiers: Orphanet 140162, MedGen C0027672, MeSH D009386, MONDO:0015356.
Neuroblastoma, susceptibility to, 3. Also called: ALK-Related Neuroblastic Tumor Susceptibility. Identifiers: Orphanet 635, MedGen C2751681, MONDO:0013083, OMIM 613014.

Allele frequency attached by ClinVar (database versions not stated): TOPMed below 0.00001; gnomAD 0.00001.
gnomAD v4.1: 1 of 1,613,434 alleles (0.000062%); highest among the groups gnomAD compares: Non-Finnish European, 0.000085%; no homozygotes.

Submissions (2):

Labcorp Genetics (formerly Invitae), Labcorp
Classification: Uncertain significance for Neuroblastoma, susceptibility to, 3. Last evaluated: 2025-11-10. Review status: criteria provided, single submitter. Criteria: Invitae Variant Classification Sherloc (09022015). Collection method: clinical testing. Allele origin: germline.
Comment: This sequence change replaces leucine, which is neutral and non-polar, with valine, which is neutral and non-polar, at codon 684 of the ALK protein (p.Leu684Val). This variant is not present in population databases (gnomAD no frequency). This variant has not been reported in the literature in individuals affected with ALK-related conditions. ClinVar contains an entry for this variant (Variation ID: 1054861). An algorithm developed to predict the effect of missense changes on protein structure and function (PolyPhen-2) suggests that this variant is likely to be disruptive. In summary, the available evidence is currently insufficient to determine the role of this variant in disease. Therefore, it has been classified as a Variant of Uncertain Significance.

Ambry Genetics
Classification: Uncertain significance for Hereditary cancer-predisposing syndrome. Last evaluated: 2023-11-11. Review status: criteria provided, single submitter. Criteria: Ambry Variant Classification Scheme 2023. Collection method: clinical testing. Allele origin: germline.
Comment: The p.L684V variant (also known as c.2050C>G), located in coding exon 12 of the ALK gene, results from a C to G substitution at nucleotide position 2050. The leucine at codon 684 is replaced by valine, an amino acid with highly similar properties. This amino acid position is conserved. In addition, the in silico prediction for this alteration is inconclusive. Since supporting evidence is limited at this time, the clinical significance of this alteration remains unclear.

NM_004304.5(ALK):c.2050C>G (p.Leu684Val)

Gene: ALK (ALK receptor tyrosine kinase; minus strand). Cytogenetic location: 2p23.2.
Variant type: single nucleotide variant.
Coding change: c.2050C>G on transcript NM_004304.5 (MANE Select); coding-DNA position 2050, C replaced by G.
Protein change: p.Leu684Val; replaces leucine 684 with valine.
Molecular consequence: missense variant.
Genome position (GRCh38, 1-based): chr2:29,251,259, G>C on the plus strand (C>G on the coding strand, the complement: ALK is on the minus strand). VCF-style: chr2-29251259-G-C. GRCh37 (hg19) VCF-style: chr2-29474125-G-C.
Other names: c.2050C>G (NM_004304.4); short protein forms L684V.
Identifiers: ClinVar variation 1054861 (VCV001054861.10), dbSNP rs1664810025, ClinGen allele CA346477225.
Genomic context (GRCh38, chr2:29,251,259, plus strand): 5'-CGTTGTTGCACTGTGCCTGGGTGGGGCCATGGGGCCCGCTGGCCCCACATGTGGTGAACA[G>C]CCAATGAACTGTGGCACAAGAGGAGAGGCAGTCACTCATGTGGCCAGGCCCTCCCTCCTC-3'
Protein context (NP_004295.2, residues 674-694): TPIFDPTVHW[Leu684Val]FTTCGASGPH